The following is an entry in ClinVar:

NM_020762.4(SRGAP1):c.806G>A (p.Cys269Tyr)

Gene: SRGAP1 (SLIT-ROBO Rho GTPase activating protein 1; plus strand). Cytogenetic location: 12q14.2.
Variant type: single nucleotide variant.
Coding change: c.806G>A on transcript NM_020762.4 (MANE Select); coding-DNA position 806, G replaced by A.
Protein change: p.Cys269Tyr; replaces cysteine 269 with tyrosine.
Molecular consequence: missense variant.
Genome position (GRCh38, 1-based): chr12:64,062,921, G>A. VCF-style: chr12-64062921-G-A. GRCh37 (hg19) VCF-style: chr12-64456701-G-A.
Other names: c.806G>A, p.Cys269Tyr (NM_001346201.2); c.806G>A (NM_020762.2); short protein forms C269Y.
Identifiers: ClinVar variation 684621 (VCV000684621.3), dbSNP rs1208074975, ClinGen allele CA385585217.

ClinVar aggregate classification (germline): Uncertain significance. Review status: criteria provided, single submitter (1 of 4 stars). 3 submissions from 2 submitters: Uncertain significance (1). 2 of the submissions do not count toward it. Last evaluated 2020-05-28.

Conditions:
Congenital anomaly of kidney and urinary tract. Also called: Congenital anomalies of the kidney and urinary tract; Congenital anomalies of kidney and urinary tract. Identifiers: Orphanet 93545, MedGen C1968949, MeSH C566906, MONDO:0019719.
Nephronophthisis. Also called: Juvenile Nephronophthisis. Identifiers: Orphanet 655, MedGen C0687120, MONDO:0019005, HP:0000090.

Allele frequency attached by ClinVar (database versions not stated): gnomAD exomes 0.00001.
gnomAD v4.1: 13 of 1,607,488 alleles (0.00081%); highest among the groups gnomAD compares: Non-Finnish European, 0.0011%; no homozygotes.

Submissions (3):

Broad Center for Mendelian Genomics, Broad Institute of MIT and Harvard
Classification: Uncertain significance for Nephronophthisis. Last evaluated: 2020-05-28. Review status: criteria provided, single submitter. Criteria: ACMG Guidelines, 2015. Collection method: research. Allele origin: germline. Inheritance: Autosomal dominant inheritance.
Comment: This variant was absent from large population studies. In vitro functional studies provide some evidence that the p.Cys269Tyr variant may slightly impact protein function (PMID: 26026792). However, these types of assays may not accurately represent biological function. Computational prediction tools and conservation analyses do not provide strong support for or against an impact to the protein. Furthermore, although this gene has been reported in association with nephronophthisis, it currently has limited evidence for these associations. In summary, while there is some suspicion for a pathogenic role, the clinical significance of this variant is uncertain. ACMG/AMP Criteria applied: PM2, PS3_supporting (Richards 2015).

Yale Center for Mendelian Genomics, Yale University
Classification: Pathogenic for Congenital anomaly of kidney and urinary tract. Last evaluated: 2018-08-24. Review status: no assertion criteria provided. Collection method: literature only. Allele origin: germline. Affected: yes. Observed: 1 heterozygote. Study: Yale Center for Mendelian Genomics. Not counted in ClinVar's aggregate classification.

Yale Center for Mendelian Genomics, Yale University
Classification: Pathogenic for Congenital anomalies of the kidney and urinary tract. Last evaluated: 2015-05-31. Review status: no assertion criteria provided. Collection method: literature only. Allele origin: de novo. Affected: yes. Observed: 1 heterozygote. Not counted in ClinVar's aggregate classification.

Literature cited by the submitters: PubMed 26026792 (cited by Broad Center for Mendelian Genomics, Broad Institute of MIT and Harvard and Yale Center for Mendelian Genomics, Yale University); PubMed 30143558 (cited by Yale Center for Mendelian Genomics, Yale University).